The following is an entry in ClinVar:

NM_000143.4(FH):c.820G>T (p.Ala274Ser)

Gene: FH (fumarate hydratase; minus strand). Cytogenetic location: 1q43.
Variant type: single nucleotide variant.
Coding change: c.820G>T on transcript NM_000143.4 (MANE Select); coding-DNA position 820, G replaced by T.
Protein change: p.Ala274Ser; replaces alanine 274 with serine.
Molecular consequence: missense variant.
Genome position (GRCh38, 1-based): chr1:241,506,087, C>A on the plus strand (G>T on the coding strand, the complement: FH is on the minus strand). VCF-style: chr1-241506087-C-A. GRCh37 (hg19) VCF-style: chr1-241669387-C-A.
Other names: short protein forms A274S.
Identifiers: ClinVar variation 2452779 (VCV002452779.2), dbSNP rs1060499638, ClinGen allele CA345438954.
Genomic context (GRCh38, chr1:241,506,087, plus strand): 5'-CAACCTTTTCTGCAAAGCCAATTCTAGTATTTAAACCTGTACCAACAGCAGTGCCTCCAG[C>A]TGCGAGCTCATAGATTCTTGGCATGGCAGCTTTTATTCTTGTCATTGCATATTTTACTTG-3'
Protein context (NP_000134.2, residues 264-284): AAMPRIYELA[Ala274Ser]GGTAVGTGLN

ClinVar aggregate classification (germline): Uncertain significance (1 of 4 stars; one submission).

Conditions:
Hereditary cancer-predisposing syndrome. Also called: Neoplastic Syndromes, Hereditary; Tumor predisposition; Hereditary neoplastic syndrome; Hereditary Cancer Syndrome. Identifiers: Orphanet 140162, MedGen C0027672, MeSH D009386, MONDO:0015356.

Submission:

Ambry Genetics
Classification: Uncertain significance for Hereditary cancer-predisposing syndrome. Last evaluated: 2023-01-23. Review status: criteria provided, single submitter. Criteria: Ambry Variant Classification Scheme 2023. Collection method: clinical testing. Allele origin: germline.
Comment: The p.A274S variant (also known as c.820G>T), located in coding exon 6 of the FH gene, results from a G to T substitution at nucleotide position 820. The alanine at codon 274 is replaced by serine, an amino acid with similar properties. This amino acid position is highly conserved in available vertebrate species. In addition, this alteration is predicted to be deleterious by in silico analysis. Since supporting evidence is limited at this time, the clinical significance of this alteration remains unclear.